The following is an entry in ClinVar:

ClinVar aggregate classification (germline): Likely benign. Review status: criteria provided, multiple submitters, no conflicts (2 of 4 stars). 3 submissions from 3 submitters: Likely benign (2). 1 of the submissions does not count toward it. Last evaluated 2025-12-10.

Conditions:
Hereditary spastic paraplegia 39 (SPG39). Also called: Spastic Paraplegia Type 39 (SPG39); SPASTIC PARAPLEGIA 39, AUTOSOMAL RECESSIVE. Identifiers: Orphanet 139480, MedGen C2677586, MONDO:0012787, OMIM 612020.
PNPLA6-related disorder. Also called: PNPLA6-related disorders; PNPLA6-related condition.

Submissions (3):

Labcorp Genetics (formerly Invitae), Labcorp
Classification: Likely benign for Hereditary spastic paraplegia 39. Last evaluated: 2025-12-10. Review status: criteria provided, single submitter. Criteria: Invitae Variant Classification Sherloc (09022015). Collection method: clinical testing. Allele origin: germline.

Blueprint Genetics
Classification: Likely benign. Last evaluated: 2022-02-23. Review status: criteria provided, single submitter. Criteria: ACMG Guidelines, 2015. Collection method: clinical testing. Allele origin: germline.

PreventionGenetics, part of Exact Sciences
Classification: Likely benign for PNPLA6-related condition. Last evaluated: 2020-01-28. Review status: no assertion criteria provided. Collection method: clinical testing. Allele origin: germline. Not counted in ClinVar's aggregate classification.
Comment: This variant is classified as likely benign based on ACMG/AMP sequence variant interpretation guidelines (Richards et al. 2015 PMID: 25741868, with internal and published modifications).

NM_001166114.2(PNPLA6):c.316-10_316-7dup

Gene: PNPLA6 (patatin like domain 6, lysophospholipase; plus strand). Cytogenetic location: 19p13.2.
Variant type: Duplication.
Coding change: c.316-10_316-7dup on transcript NM_001166114.2 (MANE Select); 10 bases into the intron before coding-DNA position 316 through 7 bases into the intron before coding-DNA position 316, 4 bases duplicated (ATTC; older notation c.316-10_316-7dupATTC).
Molecular consequence: intron variant.
Genome position (GRCh38, 1-based): chr19:7,536,439-7,536,442, ATTC duplicated; duplicating any 4 consecutive bases within chr19:7,536,436-7,536,442 gives the same sequence; the c. name uses the placement nearest the transcript's 3' end. VCF-style (leftmost placement, unchanged base first): chr19-7536435-C-CTTCA. GRCh37 (hg19) VCF-style: chr19-7601321-C-CTTCA.
Other names: c.199-10_199-7dup (NM_006702.5, NM_001166112.2, NM_001166113.1); c.343-10_343-7dup (NM_001166111.2); c.343-10_343-7dupATTC (NM_001166111.1).
Identifiers: ClinVar variation 1457125 (VCV001457125.11), dbSNP rs758551500, ClinGen allele CA9139427.